The following is an entry in ClinVar:

ClinVar aggregate classification (germline): Uncertain significance (1 of 4 stars; one submission).

Allele frequency attached by ClinVar (database versions not stated): gnomAD exomes below 0.00001.
gnomAD v4.1: 1 of 1,613,800 alleles (0.000062%); highest among the groups gnomAD compares: South Asian, 0.0011%; no homozygotes.

Submission:

Labcorp Genetics (formerly Invitae), Labcorp
Classification: Uncertain significance. Last evaluated: 2021-05-25. Review status: criteria provided, single submitter. Criteria: Invitae Variant Classification Sherloc (09022015). Collection method: clinical testing. Allele origin: germline.
Comment: This sequence change replaces serine with isoleucine at codon 755 of the PCDH15 protein (p.Ser755Ile). The serine residue is highly conserved and there is a large physicochemical difference between serine and isoleucine. In summary, the available evidence is currently insufficient to determine the role of this variant in disease. Therefore, it has been classified as a Variant of Uncertain Significance. Algorithms developed to predict the effect of missense changes on protein structure and function are either unavailable or do not agree on the potential impact of this missense change (SIFT: "Deleterious"; PolyPhen-2: "Probably Damaging"; Align-GVGD: "Class C0"). This variant has not been reported in the literature in individuals with PCDH15-related conditions. This variant is not present in population databases (ExAC no frequency).

NM_001384140.1(PCDH15):c.2264G>T (p.Ser755Ile)

Gene: PCDH15 (protocadherin related 15; minus strand). Cytogenetic location: 10q21.1.
Variant type: single nucleotide variant.
Coding change: c.2264G>T on transcript NM_001384140.1 (MANE Select); coding-DNA position 2264, G replaced by T.
Protein change: p.Ser755Ile; replaces serine 755 with isoleucine.
Molecular consequence: missense variant.
Genome position (GRCh38, 1-based): chr10:54,023,154, C>A on the plus strand (G>T on the coding strand, the complement: PCDH15 is on the minus strand). VCF-style: chr10-54023154-C-A. GRCh37 (hg19) VCF-style: chr10-55782914-C-A.
Other names: c.2279G>T, p.Ser760Ile (NM_001142763.2, NM_001142771.2); c.2264G>T, p.Ser755Ile (NM_001142764.2, NM_001142766.2, NM_001142770.3 and 5 more transcripts); c.2051G>T, p.Ser684Ile (NM_001142765.2); c.2153G>T, p.Ser718Ile (NM_001142767.2); c.2198G>T, p.Ser733Ile (NM_001142768.2, NM_001142773.2, NM_001354404.2); c.2300G>T, p.Ser767Ile (NM_001142769.4); c.2285G>T, p.Ser762Ile (NM_001354411.2); short protein forms S684I, S760I, S762I, S767I, S718I, S733I, S755I.
Identifiers: ClinVar variation 1523909 (VCV001523909.8), dbSNP rs2135323496, ClinGen allele CA376523933.